The following is an entry in ClinVar:

ClinVar aggregate classification (germline): Uncertain significance (1 of 4 stars; one submission).

gnomAD v4.1: 3 of 1,587,908 alleles (0.00019%); highest among the groups gnomAD compares: Non-Finnish European, 0.00026%; no homozygotes.

Submission:

Women's Health and Genetics/Laboratory Corporation of America, LabCorp
Classification: Uncertain significance. Last evaluated: 2025-06-27. Review status: criteria provided, single submitter. Criteria: LabCorp Variant Classification Summary - May 2015. Collection method: clinical testing. Allele origin: germline.
Comment: Variant summary: GYS2 c.1472T>C (p.Met491Thr) results in a non-conservative amino acid change in the encoded protein sequence. Algorithms developed to predict the effect of missense changes on protein structure and function are either unavailable or do not agree on the potential impact of this missense change. The variant allele was found at a frequency of 4e-06 in 250068 control chromosomes. The available data on variant occurrences in the general population are insufficient to allow any conclusion about variant significance. To our knowledge, no occurrence of c.1472T>C in individuals affected with Glycogen Storage Disorder Due To Hepatic Glycogen Synthase Deficiency and no experimental evidence demonstrating its impact on protein function have been reported. No submitters have cited clinical-significance assessments for this variant to ClinVar. Based on the evidence outlined above, the variant was classified as uncertain significance.

NM_021957.4(GYS2):c.1472T>C (p.Met491Thr)

Gene: GYS2 (glycogen synthase 2; minus strand). Cytogenetic location: 12p12.1.
Variant type: single nucleotide variant.
Coding change: c.1472T>C on transcript NM_021957.4 (MANE Select); coding-DNA position 1472, T replaced by C.
Protein change: p.Met491Thr; replaces methionine 491 with threonine.
Molecular consequence: missense variant.
Genome position (GRCh38, 1-based): chr12:21,546,421, A>G on the plus strand (T>C on the coding strand, the complement: GYS2 is on the minus strand). VCF-style: chr12-21546421-A-G. GRCh37 (hg19) VCF-style: chr12-21699355-A-G.
Other names: short protein forms M491T.
Identifiers: ClinVar variation 3907132 (VCV003907132.1).